The following is an entry in ClinVar:

ClinVar aggregate classification (germline): Benign (1 of 4 stars; one submission).

Conditions:
Lynch syndrome 4 (LYNCH4). Also called: Colorectal cancer, hereditary nonpolyposis, type 4; Hereditary non-polyposis colorectal cancer, type 4. Identifiers: Orphanet 144, MedGen C1838333, MONDO:0013699, OMIM 614337. Disease mechanism: loss of function.

Submission:

Myriad Genetics, Inc.
Classification: Benign for Lynch syndrome 4. Last evaluated: 2025-01-31. Review status: criteria provided, single submitter. Criteria: Myriad Autosomal Dominant, Autosomal Recessive and X-Linked Classification Criteria (2023). Collection method: clinical testing. Allele origin: unknown.
Comment: This variant is considered benign. This variant is a silent/synonymous amino acid change and it is not expected to impact splicing.

NM_000535.7(PMS2):c.1818T>C (p.Asp606=)

Gene: PMS2 (PMS1 homolog 2, mismatch repair system component; minus strand). Cytogenetic location: 7p22.1.
Variant type: single nucleotide variant.
Coding change: c.1818T>C on transcript NM_000535.7 (MANE Select); coding-DNA position 1818, T replaced by C.
Protein change: p.Asp606=; no amino-acid change (aspartic acid 606 retained).
Molecular consequence: synonymous variant. On other transcripts: non-coding transcript variant (1), intron variant (1).
Genome position (GRCh38, 1-based): chr7:5,986,947, A>G on the plus strand (T>C on the coding strand, the complement: PMS2 is on the minus strand). VCF-style: chr7-5986947-A-G. GRCh37 (hg19) VCF-style: chr7-6026578-A-G.
Other names: c.1413T>C, p.Asp471= (NM_001322003.2, NM_001322004.2, NM_001322005.2 and 16 more transcripts); c.1662T>C, p.Asp554= (NM_001322006.2, NM_001406870.1); c.1500T>C, p.Asp500= (NM_001322007.2, NM_001322008.2, NM_001406876.1 and 2 more transcripts); c.1257T>C, p.Asp419= (NM_001322010.2, NM_001406906.1, NM_001406907.1); c.885T>C, p.Asp295= (NM_001322011.2, NM_001322012.2); c.1245T>C, p.Asp415= (NM_001322013.2, NM_001406909.1); c.1818T>C, p.Asp606= (NM_001322014.2, NM_001406871.1, NM_001406872.1); c.1509T>C, p.Asp503= (NM_001322015.2, NM_001406875.1, NM_001406877.1 and 5 more transcripts); and 13 more.
Identifiers: ClinVar variation 3903441 (VCV003903441.1).